The following is an entry in ClinVar:

NM_005618.4(DLL1):c.731+3A>G

Gene: DLL1 (delta like canonical Notch ligand 1; minus strand). Cytogenetic location: 6q27.
Variant type: single nucleotide variant.
Coding change: c.731+3A>G on transcript NM_005618.4 (MANE Select); 3 bases into the intron after coding-DNA position 731, A replaced by G.
Molecular consequence: intron variant.
Genome position (GRCh38, 1-based): chr6:170,286,235, T>C on the plus strand (A>G on the coding strand, the complement: DLL1 is on the minus strand). VCF-style: chr6-170286235-T-C. GRCh37 (hg19) VCF-style: chr6-170595323-T-C.
Identifiers: ClinVar variation 3375491 (VCV003375491.1).

ClinVar aggregate classification (germline): Uncertain significance (1 of 4 stars; one submission).

Submission:

GeneDx
Classification: Uncertain significance. Last evaluated: 2024-05-06. Review status: criteria provided, single submitter. Criteria: GeneDx Variant Classification Process June 2021. Collection method: clinical testing. Allele origin: germline. Affected: yes.
Comment: Not observed at significant frequency in large population cohorts (gnomAD); In silico analysis supports a deleterious effect on splicing; Has not been previously published as pathogenic or benign to our knowledge